The following is an entry in ClinVar:

ClinVar aggregate classification (germline): Pathogenic/Likely pathogenic. Review status: criteria provided, multiple submitters, no conflicts (2 of 4 stars). 3 submissions from 3 submitters: Pathogenic (2); Likely pathogenic (1). Last evaluated 2024-03-14.

Conditions:
Severe X-linked myotubular myopathy (CNMX). Also called: MYOTUBULAR MYOPATHY 1; X-linked centronuclear myopathy; Myotubular myopathy, X-linked. Identifiers: Orphanet 596, MedGen C0410203, MONDO:0010683, OMIM 310400.

Submissions (3):

Genomic Medicine Center of Excellence, King Faisal Specialist Hospital and Research Centre
Classification: Pathogenic for Severe X-linked myotubular myopathy. Last evaluated: 2024-03-14. Review status: criteria provided, single submitter. Criteria: ACMG Guidelines, 2015. Collection method: research. Allele origin: germline.

Labcorp Genetics (formerly Invitae), Labcorp
Classification: Likely pathogenic for Severe X-linked myotubular myopathy. Last evaluated: 2022-05-03. Review status: criteria provided, single submitter. Criteria: Invitae Variant Classification Sherloc (09022015). Collection method: clinical testing. Allele origin: germline.
Comment: ClinVar contains an entry for this variant (Variation ID: 158997). Algorithms developed to predict the effect of missense changes on protein structure and function are either unavailable or do not agree on the potential impact of this missense change (SIFT: "Deleterious"; PolyPhen-2: "Probably Damaging"; Align-GVGD: "Class C0"). In summary, the currently available evidence indicates that the variant is pathogenic, but additional data are needed to prove that conclusively. Therefore, this variant has been classified as Likely Pathogenic. This missense change has been observed in individuals with X-linked myotubular myopathy (PMID: 10790201, 11793470, 17537630, 27363342). This sequence change replaces valine, which is neutral and non-polar, with methionine, which is neutral and non-polar, at codon 227 of the MTM1 protein (p.Val227Met). This variant is not present in population databases (gnomAD no frequency).

Genetic Services Laboratory, University of Chicago
Classification: Pathogenic for Myotubular myopathy, X-linked. Last evaluated: 2013-02-08. Review status: criteria provided, single submitter. Criteria: ACMG Guidelines, 2007. Collection method: clinical testing. Allele origin: germline. Inheritance: X-linked inheritance. Affected: yes.

Literature cited by the submitters: PubMed 10790201 (cited by Labcorp Genetics (formerly Invitae), Labcorp); PubMed 11793470 (cited by Labcorp Genetics (formerly Invitae), Labcorp); PubMed 17537630 (cited by Labcorp Genetics (formerly Invitae), Labcorp); PubMed 27363342 (cited by Labcorp Genetics (formerly Invitae), Labcorp).

NM_000252.3(MTM1):c.679G>A (p.Val227Met)

Gene: MTM1 (myotubularin 1; plus strand). Cytogenetic location: Xq28.
Variant type: single nucleotide variant.
Coding change: c.679G>A on transcript NM_000252.3 (MANE Select); coding-DNA position 679, G replaced by A.
Protein change: p.Val227Met; replaces valine 227 with methionine.
Molecular consequence: missense variant.
Genome position (GRCh38, 1-based): chrX:150,645,683, G>A. VCF-style: chrX-150645683-G-A. GRCh37 (hg19) VCF-style: chrX-149814156-G-A.
Other names: c.679G>A, p.Val227Met (NM_001376906.1, NM_001376908.1); c.568G>A, p.Val190Met (NM_001376907.1); short protein forms V227M, V190M.
Identifiers: ClinVar variation 158997 (VCV000158997.13), dbSNP rs587783850, ClinGen allele CA271926.
Genomic context (GRCh38, chrX:150,645,683, plus strand): 5'-TTAATTGTTTGCTTGGAGATTTGCTTTCTTGATAGCTTAAACTTTCTGACTTAACCATAG[G>A]TGCTGTCATGGATTCATCCAGAAAATAAGACGGTCATTGTGCGTTGCAGTCAGCCTCTTG-3'
Protein context (NP_000243.1, residues 217-237): ATFRSRNRIP[Val227Met]LSWIHPENKT